The following is an entry in ClinVar:

ClinVar aggregate classification (germline): Uncertain significance (1 of 4 stars; one submission).

Conditions:
Ataxia-telangiectasia syndrome (AT). Also called: Ataxia-telangiectasia, complementation group D; AT, COMPLEMENTATION GROUP C; ATAXIA-TELANGIECTASIA, COMPLEMENTATION GROUP A; ATAXIA-TELANGIECTASIA, FRESNO VARIANT; Ataxia-telangiectasia; Ataxia-telangiectasia, complementation group E. Identifiers: Orphanet 100, MedGen C0004135, MONDO:0008840, OMIM 208900.

Submission:

Labcorp Genetics (formerly Invitae), Labcorp
Classification: Uncertain significance for Ataxia-telangiectasia syndrome. Last evaluated: 2025-09-24. Review status: criteria provided, single submitter. Criteria: Invitae Variant Classification Sherloc (09022015). Collection method: clinical testing. Allele origin: germline.
Comment: This sequence change replaces leucine, which is neutral and non-polar, with phenylalanine, which is neutral and non-polar, at codon 2850 of the ATM protein (p.Leu2850Phe). This variant is not present in population databases (gnomAD no frequency). This variant has not been reported in the literature in individuals affected with ATM-related conditions. ClinVar contains an entry for this variant (Variation ID: 3658534). Invitae Evidence Modeling of protein sequence and biophysical properties (such as structural, functional, and spatial information, amino acid conservation, physicochemical variation, residue mobility, and thermodynamic stability) has been performed for this missense variant. However, the output from this modeling did not meet the statistical confidence thresholds required to predict the impact of this variant on ATM protein function. In summary, the available evidence is currently insufficient to determine the role of this variant in disease. Therefore, it has been classified as a Variant of Uncertain Significance.

NM_000051.4(ATM):c.8550G>C (p.Leu2850Phe)

Genes: ATM (ATM serine/threonine kinase; plus strand), C11orf65 (chromosome 11 open reading frame 65; minus strand). Cytogenetic location: 11q22.3.
Variant type: single nucleotide variant.
Coding change: c.8550G>C on transcript NM_000051.4 (MANE Select); coding-DNA position 8550, G replaced by C.
Protein change: p.Leu2850Phe; replaces leucine 2850 with phenylalanine.
Molecular consequence: missense variant. On other transcripts: intron variant (2).
Genome position (GRCh38, 1-based): chr11:108,345,874, G>C. VCF-style: chr11-108345874-G-C. GRCh37 (hg19) VCF-style: chr11-108216601-G-C.
Other names: c.8550G>C, p.Leu2850Phe (NM_001351834.2); c.641-36803C>G (NM_001330368.2); c.695-10582C>G (NM_001351110.2); short protein forms L2850F.
Identifiers: ClinVar variation 3658534 (VCV003658534.2).